The following is an entry in ClinVar:

ClinVar aggregate classification (germline): Uncertain significance (1 of 4 stars; one submission).

Submission:

Labcorp Genetics (formerly Invitae), Labcorp
Classification: Uncertain significance. Last evaluated: 2025-10-14. Review status: criteria provided, single submitter. Criteria: Invitae Variant Classification Sherloc (09022015). Collection method: clinical testing. Allele origin: germline.
Comment: This sequence change creates a premature translational stop signal (p.Leu1031Serfs*33) in the ABL1 gene. While this is not anticipated to result in nonsense mediated decay, it is expected to disrupt the last 119 amino acid(s) of the ABL1 protein. This variant is present in population databases (no rsID available, gnomAD 0.003%). This variant has not been reported in the literature in individuals affected with ABL1-related conditions. In summary, the available evidence is currently insufficient to determine the role of this variant in disease. Therefore, it has been classified as a Variant of Uncertain Significance.

NM_005157.6(ABL1):c.3034_3035del (p.Leu1012fs)

Gene: ABL1 (ABL proto-oncogene 1, non-receptor tyrosine kinase; plus strand). Cytogenetic location: 9q34.12.
Variant type: Microsatellite.
Coding change: c.3034_3035del on transcript NM_005157.6 (MANE Select); coding-DNA positions 3034 to 3035, 2 bases deleted (CT; older notation c.3034_3035delCT).
Protein change: p.Leu1012fs; shifts the reading frame from leucine 1012.
Molecular consequence: frameshift variant.
Genome position (GRCh38, 1-based): chr9:130,885,324-130,885,325, CT deleted; deleting any 2 consecutive bases within chr9:130,885,321-130,885,325 gives the same sequence; the c. name uses the placement nearest the transcript's 3' end. VCF-style (leftmost placement, unchanged base first): chr9-130885320-GTC-G. GRCh37 (hg19) VCF-style: chr9-133760707-GTC-G.
Other names: c.3091_3092del, p.Leu1031fs (NM_007313.3); short protein forms L1031fs, L1012fs.
Identifiers: ClinVar variation 4728766 (VCV004728766.1).